The following is an entry in ClinVar:

ClinVar aggregate classification (germline): Likely pathogenic (1 of 4 stars; one submission).

Conditions:
Charlevoix-Saguenay spastic ataxia (SACS). Also called: AUTOSOMAL RECESSIVE SPASTIC ATAXIA OF CHARLEVOIX-SAGUENAY; Spastic ataxia of Charlevoix-Saguenay; SPASTIC ATAXIA 6, AUTOSOMAL RECESSIVE. Identifiers: Orphanet 98, MedGen C1849140, MONDO:0010041, OMIM 270550.

Submission:

PROSPAX: an integrated multimodal progression  chart in spastic ataxias, Center for Neurology; Hertie-Institute for Clinical Brain Research
Classification: Likely pathogenic for Charlevoix-Saguenay spastic ataxia. Last evaluated: 2022-01-01. Review status: criteria provided, single submitter. Criteria: ACMG Guidelines, 2015. Collection method: research. Allele origin: germline. Affected: yes.
Comment: Variant seen in compound het: [c.99del;c.8479dupT]

NM_014363.6(SACS):c.8479dup (p.Ser2827fs)

Gene: SACS (sacsin molecular chaperone; minus strand). Cytogenetic location: 13q12.12.
Variant type: Duplication.
Coding change: c.8479dup on transcript NM_014363.6 (MANE Select); coding-DNA position 8479, one base duplicated (T; older notation c.8479dupT).
Protein change: p.Ser2827fs; shifts the reading frame from serine 2827.
Molecular consequence: frameshift variant.
Genome position (GRCh38, 1-based): chr13:23,335,397, A duplicated on the plus strand (T on the coding strand, the reverse complement: SACS is on the minus strand); the first of 4 consecutive A bases (chr13:23,335,397-23,335,400); duplicating any one gives the same sequence. VCF-style (leftmost placement, unchanged base first): chr13-23335396-G-GA. GRCh37 (hg19) VCF-style: chr13-23909535-G-GA.
Other names: c.8038dup, p.Ser2680fs (NM_001278055.2); short protein forms S2680fs, S2827fs.
Identifiers: ClinVar variation 3242507 (VCV003242507.1).
Genomic context (GRCh38, chr13:23,335,396, plus strand): 5'-AGAGTAATATCTTGGTTCTTGTGAGCTGATATGACACTTTTAGATACTTTCTCCATACTT[G>GA]AAAAGCCTGATCTATTACAAATTAGCCACGTAGTAAGATTTCCTTCAGAGTCCTCAGTAT-3'